The following is an entry in ClinVar:

ClinVar aggregate classification (germline): Uncertain significance. Review status: criteria provided, multiple submitters, no conflicts (2 of 4 stars). 2 submissions from 2 submitters: Uncertain significance (2). Last evaluated 2024-09-02.

Allele frequency attached by ClinVar (database versions not stated): gnomAD exomes 0.00001.
gnomAD v4.1: 10 of 1,614,074 alleles (0.00062%); highest among the groups gnomAD compares: Middle Eastern, 0.016%; no homozygotes.

Submissions (2):

Blueprint Genetics
Classification: Uncertain significance. Last evaluated: 2024-09-02. Review status: criteria provided, single submitter. Criteria: ACMG Guidelines, 2015. Collection method: clinical testing. Allele origin: germline.

Labcorp Genetics (formerly Invitae), Labcorp
Classification: Uncertain significance. Last evaluated: 2023-07-17. Review status: criteria provided, single submitter. Criteria: Invitae Variant Classification Sherloc (09022015). Collection method: clinical testing. Allele origin: germline.
Comment: This sequence change replaces valine, which is neutral and non-polar, with alanine, which is neutral and non-polar, at codon 3192 of the DNAH9 protein (p.Val3192Ala). Advanced modeling of protein sequence and biophysical properties (such as structural, functional, and spatial information, amino acid conservation, physicochemical variation, residue mobility, and thermodynamic stability) performed at Invitae indicates that this missense variant is not expected to disrupt DNAH9 protein function. ClinVar contains an entry for this variant (Variation ID: 1969498). This variant has not been reported in the literature in individuals affected with DNAH9-related conditions. This variant is not present in population databases (gnomAD no frequency). In summary, the available evidence is currently insufficient to determine the role of this variant in disease. Therefore, it has been classified as a Variant of Uncertain Significance.

NM_001372.4(DNAH9):c.9575T>C (p.Val3192Ala)

Gene: DNAH9 (dynein axonemal heavy chain 9; plus strand). Cytogenetic location: 17p12.
Variant type: single nucleotide variant.
Coding change: c.9575T>C on transcript NM_001372.4 (MANE Select); coding-DNA position 9575, T replaced by C.
Protein change: p.Val3192Ala; replaces valine 3192 with alanine.
Molecular consequence: missense variant.
Genome position (GRCh38, 1-based): chr17:11,854,070, T>C. VCF-style: chr17-11854070-T-C. GRCh37 (hg19) VCF-style: chr17-11757387-T-C.
Other names: short protein forms V3192A.
Identifiers: ClinVar variation 1969498 (VCV001969498.6), dbSNP rs1597736967, ClinGen allele CA398191714.